The following is an entry in ClinVar:

NM_000287.4(PEX6):c.-9C>T

Gene: PEX6 (peroxisomal biogenesis factor 6; minus strand). Cytogenetic location: 6p21.1.
Variant type: single nucleotide variant.
Coding change: c.-9C>T on transcript NM_000287.4 (MANE Select); 9 bases upstream of the start codon, C replaced by T.
Molecular consequence: 5 prime UTR variant. On other transcripts: non-coding transcript variant (1).
Genome position (GRCh38, 1-based): chr6:42,979,159, G>A on the plus strand (C>T on the coding strand, the complement: PEX6 is on the minus strand). VCF-style: chr6-42979159-G-A. GRCh37 (hg19) VCF-style: chr6-42946897-G-A.
Other names: c.-9C>T (NM_001316313.2).
Identifiers: ClinVar variation 3061617 (VCV003061617.2), dbSNP rs1446120798, ClinGen allele CA567149902.

ClinVar aggregate classification (germline): Likely benign (0 of 4 stars; one submission).

Conditions:
PEX6-related disorder. Also called: PEX6-related disorders; PEX6-related condition.

Allele frequency attached by ClinVar (database versions not stated): gnomAD exomes below 0.00001; TOPMed below 0.00001.
gnomAD v4.1: 3 of 1,576,060 alleles (0.00019%); highest among the groups gnomAD compares: African/African-American, 0.0027%; no homozygotes.

Submission:

PreventionGenetics, part of Exact Sciences
Classification: Likely benign for PEX6-related condition. Last evaluated: 2021-10-22. Review status: no assertion criteria provided. Collection method: clinical testing. Allele origin: germline.
Comment: This variant is classified as likely benign based on ACMG/AMP sequence variant interpretation guidelines (Richards et al. 2015 PMID: 25741868, with internal and published modifications).